The following is an entry in ClinVar:

NM_001267550.2(TTN):c.105899T>C (p.Ile35300Thr)

Genes: TTN-AS1 (TTN antisense RNA 1; plus strand), TTN (titin; minus strand), LOC129935183 (ATAC-STARR-seq lymphoblastoid active region 16808; plus strand). Cytogenetic location: 2q31.2.
Variant type: single nucleotide variant.
Coding change: c.105899T>C on transcript NM_001267550.2 (MANE Select); coding-DNA position 105899, T replaced by C.
Protein change: p.Ile35300Thr; replaces isoleucine 35300 with threonine.
Molecular consequence: missense variant.
Genome position (GRCh38, 1-based): chr2:178,530,716, A>G on the plus strand (T>C on the coding strand, the complement: TTN is on the minus strand). VCF-style: chr2-178530716-A-G. GRCh37 (hg19) VCF-style: chr2-179395443-A-G.
Other names: c.100976T>C, p.Ile33659Thr (NM_001256850.1); c.78704T>C, p.Ile26235Thr (NM_003319.4); c.98195T>C, p.Ile32732Thr (NM_133378.4); c.79079T>C, p.Ile26360Thr (NM_133432.3); c.79280T>C, p.Ile26427Thr (NM_133437.4); short protein forms I26360T, I32732T, I33659T, I35300T, I26235T, I26427T.
Identifiers: ClinVar variation 2146336 (VCV002146336.4), dbSNP rs1688740876, ClinGen allele CA349407510.

ClinVar aggregate classification (germline): Uncertain significance (1 of 4 stars; one submission).

Conditions:
Autosomal recessive limb-girdle muscular dystrophy type 2J (LGMDR10). Also called: Limb-girdle muscular dystrophy, type 2J; MUSCULAR DYSTROPHY, LIMB-GIRDLE, AUTOSOMAL RECESSIVE 10. Identifiers: Orphanet 140922, MedGen C1837342, MONDO:0012127, OMIM 608807.
Dilated cardiomyopathy 1G (CMD1G). Identifiers: Orphanet 154, MedGen C1858763, MONDO:0011400, OMIM 604145.

Allele frequency attached by ClinVar (database versions not stated): TOPMed below 0.00001.

Submission:

Labcorp Genetics (formerly Invitae), Labcorp
Classification: Uncertain significance for Dilated cardiomyopathy 1G; Autosomal recessive limb-girdle muscular dystrophy type 2J. Last evaluated: 2024-07-19. Review status: criteria provided, single submitter. Criteria: Invitae Variant Classification Sherloc (09022015). Collection method: clinical testing. Allele origin: germline.
Comment: This sequence change replaces isoleucine, which is neutral and non-polar, with threonine, which is neutral and polar, at codon 35300 of the TTN protein (p.Ile35300Thr). This variant is not present in population databases (gnomAD no frequency). This variant has not been reported in the literature in individuals affected with TTN-related conditions. ClinVar contains an entry for this variant (Variation ID: 2146336). An algorithm developed to predict the effect of missense changes on protein structure and function outputs the following: PolyPhen-2: "Not Available". The threonine amino acid residue is found in multiple mammalian species, which suggests that this missense change does not adversely affect protein function. This variant is located in the M band of TTN (PMID: 25589632). Non-truncating variants in this region may be relevant for neuromuscular disorders, but have not been definitively shown to cause cardiomyopathy (PMID: 23975875). In summary, the available evidence is currently insufficient to determine the role of this variant in disease. Therefore, it has been classified as a Variant of Uncertain Significance.

Literature cited by the submitters: PubMed 25589632; PubMed 23975875.